The following is an entry in ClinVar:

ClinVar aggregate classification (germline): Uncertain significance (1 of 4 stars; one submission).

Conditions:
Neuropathy, hereditary motor and sensory, type 6B (HMSN6B). Also called: HMSN VIB; CHARCOT-MARIE-TOOTH DISEASE, TYPE 6B; NEUROPATHY, HEREDITARY MOTOR AND SENSORY, TYPE VIB, WITH OPTIC ATROPHY; Neuropathy, hereditary motor and sensory, type VIB. Identifiers: MedGen C4225302, MONDO:0014671, OMIM 616505.

Submission:

Labcorp Genetics (formerly Invitae), Labcorp
Classification: Uncertain significance for Neuropathy, hereditary motor and sensory, type 6B. Last evaluated: 2022-02-05. Review status: criteria provided, single submitter. Criteria: Invitae Variant Classification Sherloc (09022015). Collection method: clinical testing. Allele origin: germline.
Comment: In summary, the available evidence is currently insufficient to determine the role of this variant in disease. Therefore, it has been classified as a Variant of Uncertain Significance. Algorithms developed to predict the effect of missense changes on protein structure and function are either unavailable or do not agree on the potential impact of this missense change (SIFT: "Deleterious"; PolyPhen-2: "Probably Damaging"; Align-GVGD: "Class C0"). This variant has not been reported in the literature in individuals affected with SLC25A46-related conditions. This variant is not present in population databases (gnomAD no frequency). This sequence change replaces asparagine, which is neutral and polar, with histidine, which is basic and polar, at codon 54 of the SLC25A46 protein (p.Asn54His).

NM_138773.4(SLC25A46):c.160A>C (p.Asn54His)

Gene: SLC25A46 (solute carrier family 25 member 46; plus strand). Cytogenetic location: 5q22.1.
Variant type: single nucleotide variant.
Coding change: c.160A>C on transcript NM_138773.4 (MANE Select); coding-DNA position 160, A replaced by C.
Protein change: p.Asn54His; replaces asparagine 54 with histidine.
Molecular consequence: missense variant. On other transcripts: non-coding transcript variant (1), intron variant (1).
Genome position (GRCh38, 1-based): chr5:110,739,279, A>C. VCF-style: chr5-110739279-A-C. GRCh37 (hg19) VCF-style: chr5-110074980-A-C.
Other names: c.160A>C, p.Asn54His (NM_001303249.3); c.10+1032A>C (NM_001303250.3); short protein forms N54H.
Identifiers: ClinVar variation 2093548 (VCV002093548.4), dbSNP rs372780604, ClinGen allele CA360693263.
Genomic context (GRCh38, chr5:110,739,279, plus strand): 5'-AGCACCGGGTCGGACCTGGGCCACTGGGTGACGACTCCCCCAGATATCCCCGGCAGCCGC[A>C]ACCTGCACTGGGGCGAGAAGAGCCCGCCCTACGGCGTGCCCACCACCTCCACCCCGTACG-3'
Protein context (NP_620128.1, residues 44-64): TTPPDIPGSR[Asn54His]LHWGEKSPPY